The following is an entry in ClinVar:

ClinVar aggregate classification (germline): Uncertain significance (1 of 4 stars; one submission).

Conditions:
Charcot-Marie-Tooth disease type 4A. Also called: Charcot-Marie-Tooth disease, demyelinating, autosomal recessive, type 4a. Identifiers: Orphanet 99948, MedGen C1859198, MONDO:0008961, OMIM 214400.

Submission:

Labcorp Genetics (formerly Invitae), Labcorp
Classification: Uncertain significance for Charcot-Marie-Tooth disease type 4A. Last evaluated: 2024-09-14. Review status: criteria provided, single submitter. Criteria: Invitae Variant Classification Sherloc (09022015). Collection method: clinical testing. Allele origin: germline.
Comment: This sequence change replaces glutamic acid, which is acidic and polar, with glycine, which is neutral and non-polar, at codon 7 of the GDAP1 protein (p.Glu7Gly). This variant is not present in population databases (gnomAD no frequency). This variant has not been reported in the literature in individuals affected with GDAP1-related conditions. An algorithm developed to predict the effect of missense changes on protein structure and function (PolyPhen-2) suggests that this variant is likely to be tolerated. In summary, the available evidence is currently insufficient to determine the role of this variant in disease. Therefore, it has been classified as a Variant of Uncertain Significance.

NM_018972.4(GDAP1):c.20A>G (p.Glu7Gly)

Genes: GDAP1 (ganglioside induced differentiation associated protein 1; plus strand), LOC130000622 (ATAC-STARR-seq lymphoblastoid active region 27542; plus strand). Cytogenetic location: 8q21.11.
Variant type: single nucleotide variant.
Coding change: c.20A>G on transcript NM_018972.4 (MANE Select); coding-DNA position 20, A replaced by G.
Protein change: p.Glu7Gly; replaces glutamic acid 7 with glycine.
Molecular consequence: missense variant. On other transcripts: 5 prime UTR variant (2), intron variant (1).
Genome position (GRCh38, 1-based): chr8:74,350,481, A>G. VCF-style: chr8-74350481-A-G. GRCh37 (hg19) VCF-style: chr8-75262716-A-G.
Other names: c.-163A>G (NM_001362929.2); c.20A>G, p.Glu7Gly (NM_001362930.2, NM_001362931.2); c.-115A>G (NM_001362932.2); c.-64+9A>G (NM_001040875.4); short protein forms E7G.
Identifiers: ClinVar variation 3717005 (VCV003717005.2).